The following is an entry in ClinVar:

NM_001330311.2(DVL1):c.858C>T (p.Gly286=)

Gene: DVL1 (dishevelled segment polarity protein 1; minus strand). Cytogenetic location: 1p36.33.
Variant type: single nucleotide variant.
Coding change: c.858C>T on transcript NM_001330311.2 (MANE Select); coding-DNA position 858, C replaced by T.
Protein change: p.Gly286=; no amino-acid change (glycine 286 retained).
Molecular consequence: synonymous variant.
Genome position (GRCh38, 1-based): chr1:1,340,089, G>A on the plus strand (C>T on the coding strand, the complement: DVL1 is on the minus strand). VCF-style: chr1-1340089-G-A. GRCh37 (hg19) VCF-style: chr1-1275469-G-A.
Other names: c.858C>T, p.Gly286= (NM_004421.3).
Identifiers: ClinVar variation 728932 (VCV000728932.19), dbSNP rs142495951, ClinGen allele CA520383.

ClinVar aggregate classification (germline): Benign/Likely benign. Review status: criteria provided, multiple submitters, no conflicts (2 of 4 stars). 4 submissions from 4 submitters: Benign (1); Likely benign (2). 1 of the submissions does not count toward it. Last evaluated 2026-03-01.

Conditions:
DVL1-related disorder. Also called: DVL1-related condition.

Allele frequency attached by ClinVar (database versions not stated): gnomAD exomes 0.00040; ExAC 0.00044; 1000 Genomes Project 30x 0.00094; gnomAD 0.00106 and 0.00112; 1000 Genomes Project 0.00120; TOPMed 0.00120; ESP Exome Variant Server 0.00169.
gnomAD v4.1: 678 of 1,613,288 alleles (0.042%); highest among the groups gnomAD compares: African/African-American, 0.37%; 3 homozygotes.

Submissions (6):

CeGaT Center for Human Genetics Tuebingen
Classification: Likely benign. Last evaluated: 2026-03-01. Review status: criteria provided, single submitter. Criteria: CeGaT Center For Human Genetics Tuebingen Variant Classification Criteria Version 2. Collection method: clinical testing. Allele origin: germline. Affected: yes. Observed: 1 variant allele.
Comment: DVL1: BP4, BP7

Labcorp Genetics (formerly Invitae), Labcorp
Classification: Benign. Last evaluated: 2025-11-23. Review status: criteria provided, single submitter. Criteria: Invitae Variant Classification Sherloc (09022015). Collection method: clinical testing. Allele origin: germline.

Blueprint Genetics
Classification: Likely benign. Last evaluated: 2024-11-25. Review status: criteria provided, single submitter. Criteria: ACMG Guidelines, 2015. Collection method: clinical testing. Allele origin: germline.

PreventionGenetics, part of Exact Sciences
Classification: Likely benign for DVL1-related condition. Last evaluated: 2019-10-06. Review status: no assertion criteria provided. Collection method: clinical testing. Allele origin: germline. Not counted in ClinVar's aggregate classification.
Comment: This variant is classified as likely benign based on ACMG/AMP sequence variant interpretation guidelines (Richards et al. 2015 PMID: 25741868, with internal and published modifications).

Dr. Peter K. Rogan Lab, Western University
No classification provided (evidence only). Condition: Ovarian serous cystadenocarcinoma. Review status: no classification provided. Collection method: in vitro. Allele origin: not applicable. Functional consequence: retained intron. Not counted in ClinVar's aggregate classification.

Dr. Peter K. Rogan Lab, Western University
No classification provided (evidence only). Condition: Ovarian serous cystadenocarcinoma. Review status: no classification provided. Collection method: in vitro. Allele origin: not applicable. Functional consequence: retained intron. Not counted in ClinVar's aggregate classification.